The following is an entry in ClinVar:

NM_006514.4(SCN10A):c.853G>A (p.Glu285Lys)

Gene: SCN10A (sodium voltage-gated channel alpha subunit 10; minus strand). Cytogenetic location: 3p22.2.
Variant type: single nucleotide variant.
Coding change: c.853G>A on transcript NM_006514.4 (MANE Select); coding-DNA position 853, G replaced by A.
Protein change: p.Glu285Lys; replaces glutamic acid 285 with lysine.
Molecular consequence: missense variant.
Genome position (GRCh38, 1-based): chr3:38,761,222, C>T on the plus strand (G>A on the coding strand, the complement: SCN10A is on the minus strand). VCF-style: chr3-38761222-C-T. GRCh37 (hg19) VCF-style: chr3-38802713-C-T.
Other names: c.853G>A, p.Glu285Lys (NM_001293306.2, NM_001293307.2); short protein forms E285K.
Identifiers: ClinVar variation 414621 (VCV000414621.59), dbSNP rs146151670, ClinGen allele CA2321063.

ClinVar aggregate classification (germline): Benign/Likely benign. Review status: criteria provided, multiple submitters, no conflicts (2 of 4 stars). 9 submissions from 9 submitters: Benign (1); Likely benign (4). 4 of the submissions do not count toward it. Last evaluated 2026-05-01.

Conditions:
SCN10A-related disorder. Also called: SCN10A-related condition.
Cardiovascular phenotype. Identifiers: MedGen CN230736.
Brugada syndrome. Also called: Sudden Unexplained Death Syndrome; Sudden Unexplained Nocturnal Death Syndrome (SUNDS); Sudden unexpected nocturnal death syndrome; Sudden unexplained nocturnal death syndrome. Identifiers: Orphanet 130, MedGen C1142166, MONDO:0015263.

Allele frequency attached by ClinVar (database versions not stated): ExAC 0.00037; 1000 Genomes Project 0.00040; gnomAD exomes 0.00043 and 0.00078; 1000 Genomes Project 30x 0.00047; TOPMed 0.00049; gnomAD 0.00050 and 0.00054; ESP Exome Variant Server 0.00054.
gnomAD v4.1: 1,186 of 1,608,048 alleles (0.074%); highest among the groups gnomAD compares: Non-Finnish European, 0.095%; 1 homozygote.

Submissions (9):

CeGaT Center for Human Genetics Tuebingen
Classification: Benign. Last evaluated: 2026-05-01. Review status: criteria provided, single submitter. Criteria: CeGaT Center For Human Genetics Tuebingen Variant Classification Criteria Version 2. Collection method: clinical testing. Allele origin: germline. Affected: yes. Observed: 2 variant alleles.
Comment: SCN10A: BS1, BS2

Labcorp Genetics (formerly Invitae), Labcorp
Classification: Likely benign for Brugada syndrome. Last evaluated: 2025-12-22. Review status: criteria provided, single submitter. Criteria: Invitae Variant Classification Sherloc (09022015). Collection method: clinical testing. Allele origin: germline.

Blueprint Genetics
Classification: Likely benign. Last evaluated: 2024-10-31. Review status: criteria provided, single submitter. Criteria: ACMG Guidelines, 2015. Collection method: clinical testing. Allele origin: germline.

Ambry Genetics
Classification: Likely benign for Cardiovascular phenotype. Last evaluated: 2019-06-26. Review status: criteria provided, single submitter. Criteria: Ambry Variant Classification Scheme 2023. Collection method: clinical testing. Allele origin: germline.

GeneDx
Classification: Likely benign. Last evaluated: 2018-01-25. Review status: criteria provided, single submitter. Criteria: GeneDx Variant Classification (06012015). Collection method: clinical testing. Allele origin: germline. Affected: yes.
Comment: This variant is considered likely benign or benign based on one or more of the following criteria: it is a conservative change, it occurs at a poorly conserved position in the protein, it is predicted to be benign by multiple in silico algorithms, and/or has population frequency not consistent with disease.

PreventionGenetics, part of Exact Sciences
Classification: Likely benign for SCN10A-related condition. Last evaluated: 2022-02-04. Review status: no assertion criteria provided. Collection method: clinical testing. Allele origin: germline. Not counted in ClinVar's aggregate classification.
Comment: This variant is classified as likely benign based on ACMG/AMP sequence variant interpretation guidelines (Richards et al. 2015 PMID: 25741868, with internal and published modifications).

Clinical Genetics, Academic Medical Center
Classification: Likely benign. Review status: no assertion criteria provided. Collection method: clinical testing. Allele origin: germline. Affected: yes. Study: VKGL Data-share Consensus. Not counted in ClinVar's aggregate classification.

Joint Genome Diagnostic Labs from Nijmegen and Maastricht, Radboudumc and MUMC+
Classification: Likely benign. Review status: no assertion criteria provided. Collection method: clinical testing. Allele origin: germline. Affected: yes. Study: VKGL Data-share Consensus. Not counted in ClinVar's aggregate classification.

Laboratory of Diagnostic Genome Analysis, Leiden University Medical Center (LUMC)
Classification: Likely benign. Review status: no assertion criteria provided. Collection method: clinical testing. Allele origin: germline. Affected: yes. Study: VKGL Data-share Consensus. Not counted in ClinVar's aggregate classification.